The following is an entry in ClinVar:

ClinVar aggregate classification (germline): Uncertain significance. Review status: criteria provided, multiple submitters, no conflicts (2 of 4 stars). 2 submissions from 2 submitters: Uncertain significance (2). Last evaluated 2025-12-30.

Conditions:
Inborn genetic diseases. Identifiers: MedGen C0950123, MeSH D030342.

Allele frequency attached by ClinVar (database versions not stated): ExAC 0.00004.
gnomAD v4.1: 31 of 1,614,058 alleles (0.0019%); highest among the groups gnomAD compares: South Asian, 0.016%; no homozygotes.

Submissions (2):

Ambry Genetics
Classification: Uncertain significance for Inborn genetic diseases. Last evaluated: 2025-12-30. Review status: criteria provided, single submitter. Criteria: Ambry Variant Classification Scheme 2023. Collection method: clinical testing. Allele origin: germline.
Comment: The p.G429E variant (also known as c.1286G>A), located in coding exon 9 of the CDH2 gene, results from a G to A substitution at nucleotide position 1286. The glycine at codon 429 is replaced by glutamic acid, an amino acid with similar properties. This amino acid position is conserved. In addition, this alteration is predicted to be deleterious by in silico analysis. Based on the available evidence, the clinical significance of this variant remains unclear.

Labcorp Genetics (formerly Invitae), Labcorp
Classification: Uncertain significance. Last evaluated: 2025-05-13. Review status: criteria provided, single submitter. Criteria: Invitae Variant Classification Sherloc (09022015). Collection method: clinical testing. Allele origin: germline.
Comment: This sequence change replaces glycine, which is neutral and non-polar, with glutamic acid, which is acidic and polar, at codon 429 of the CDH2 protein (p.Gly429Glu). This variant is present in population databases (rs766881004, gnomAD 0.03%). This variant has not been reported in the literature in individuals affected with CDH2-related conditions. ClinVar contains an entry for this variant (Variation ID: 1961145). An algorithm developed to predict the effect of missense changes on protein structure and function (PolyPhen-2) suggests that this variant is likely to be disruptive. In summary, the available evidence is currently insufficient to determine the role of this variant in disease. Therefore, it has been classified as a Variant of Uncertain Significance.

NM_001792.5(CDH2):c.1286G>A (p.Gly429Glu)

Gene: CDH2 (cadherin 2; minus strand). Cytogenetic location: 18q12.1.
Variant type: single nucleotide variant.
Coding change: c.1286G>A on transcript NM_001792.5 (MANE Select); coding-DNA position 1286, G replaced by A.
Protein change: p.Gly429Glu; replaces glycine 429 with glutamic acid.
Molecular consequence: missense variant.
Genome position (GRCh38, 1-based): chr18:27,992,713, C>T on the plus strand (G>A on the coding strand, the complement: CDH2 is on the minus strand). VCF-style: chr18-27992713-C-T. GRCh37 (hg19) VCF-style: chr18-25572677-C-T.
Other names: c.1286G>A (NM_001792.3); c.1193G>A, p.Gly398Glu (NM_001308176.2); short protein forms G398E, G429E.
Identifiers: ClinVar variation 1961145 (VCV001961145.6), dbSNP rs766881004, ClinGen allele CA8923465.
Genomic context (GRCh38, chr18:27,992,713, plus strand): 5'-ACTTTGACCACGGTGACTAACCCGTCGTTGCTGTTTGGGTCGGTCTGGATGGCGAACCGT[C>T]CAGTAGGATCTCCGCCACTGATTCTGTACACTGCGTTCCAGGCTGGTGTATGGGGTTGAT-3'
Protein context (NP_001783.2, residues 419-439): VYRISGGDPT[Gly429Glu]RFAIQTDPNS